The following is an entry in ClinVar:

NM_030665.4(RAI1):c.3233del (p.Pro1078fs)

Gene: RAI1 (retinoic acid induced 1; plus strand). Cytogenetic location: 17p11.2.
Variant type: Deletion.
Coding change: c.3233del on transcript NM_030665.4 (MANE Select); coding-DNA position 3233, one base deleted (C; older notation c.3233delC).
Protein change: p.Pro1078fs; shifts the reading frame from proline 1078.
Molecular consequence: frameshift variant.
Genome position (GRCh38, 1-based): chr17:17,796,181, C deleted; the last of 4 consecutive C bases (chr17:17,796,178-17,796,181); deleting any one gives the same sequence. VCF-style (leftmost placement, unchanged base first): chr17-17796177-AC-A. GRCh37 (hg19) VCF-style: chr17-17699491-AC-A.
Other names: short protein forms P1078fs.
Identifiers: ClinVar variation 4849709 (VCV004849709.1).
Genomic context (GRCh38, chr17:17,796,177, plus strand): 5'-ACTCGTTCTCTCACGGCCCTGAGTGAGCCCCGCACGCCCGGACCCCCAGGCCTGACCACC[AC>A]CCCTGCACCCCCAGACAAACTGGGGGGCAAGCAGCGAGCCGCCTTCAAGTCGGGCAAGCG-3'

ClinVar aggregate classification (germline): Likely pathogenic (1 of 4 stars; one submission).

Conditions:
Smith-Magenis syndrome (SMS). Also called: CHROMOSOME 17p11.2 DELETION SYNDROME. Identifiers: Orphanet 819, MedGen C0795864, MONDO:0008434, OMIM 182290.

Submission:

Diagnostics Services (NGS), CSIR - Centre For Cellular And Molecular Biology
Classification: Likely pathogenic for Smith-Magenis syndrome. Last evaluated: 2026-03-03. Review status: criteria provided, single submitter. Criteria: ACMG Guidelines, 2015. Collection method: clinical testing. Allele origin: germline. Affected: yes. Observed: 1 variant allele, 1 heterozygote.
Comment: The c.3233del variant is not present in publicly available population databases like 1000 Genomes, EVS, gnomAD, Indian Exome Database or our internal database. The variant has neither been published in the literature for RAI1-related conditions nor reported to clinical databases like Human Genome Mutation database (HGMD), OMIM, or ClinVar in any affected individuals. In-silico pathogenicity prediction programs like MutationTaster2021, CADD, Franklin, Varsome, etc. predicted this variant to be likely deleterious. This variant causes frameshift at the 1078th amino acid position of the wild-type transcript which creates a premature translational stop signal at the altered transcript that may either result in translation of a truncated protein or cause nonsense mediated decay of the mRNA.